The following is an entry in ClinVar:

NM_032776.3(JMJD1C):c.5949G>C (p.Glu1983Asp)

Gene: JMJD1C (jumonji domain containing 1C; minus strand). Cytogenetic location: 10q21.3.
Variant type: single nucleotide variant.
Coding change: c.5949G>C on transcript NM_032776.3 (MANE Select); coding-DNA position 5949, G replaced by C.
Protein change: p.Glu1983Asp; replaces glutamic acid 1983 with aspartic acid.
Molecular consequence: missense variant. On other transcripts: non-coding transcript variant (1).
Genome position (GRCh38, 1-based): chr10:63,193,065, C>G on the plus strand (G>C on the coding strand, the complement: JMJD1C is on the minus strand). VCF-style: chr10-63193065-C-G. GRCh37 (hg19) VCF-style: chr10-64952825-C-G.
Other names: c.5403G>C, p.Glu1801Asp (NM_001282948.2, NM_001318154.2); c.5085G>C, p.Glu1695Asp (NM_001318153.2); c.5835G>C, p.Glu1945Asp (NM_001322252.2); c.5292G>C, p.Glu1764Asp (NM_001322254.2, NM_001322258.2); short protein forms E1945D, E1801D, E1983D, E1695D, E1764D.
Identifiers: ClinVar variation 2750153 (VCV002750153.3), dbSNP rs774810703, ClinGen allele CA5517985.

ClinVar aggregate classification (germline): Uncertain significance (1 of 4 stars; one submission).

Conditions:
Early Myoclonic Encephalopathy. Identifiers: MedGen C0270855.

Allele frequency attached by ClinVar (database versions not stated): gnomAD exomes below 0.00001; ExAC 0.00001.
gnomAD v4.1: 1 of 1,614,144 alleles (0.000062%); highest among the groups gnomAD compares: East Asian, 0.0022%; no homozygotes.

Submission:

Labcorp Genetics (formerly Invitae), Labcorp
Classification: Uncertain significance for Early Myoclonic Encephalopathy. Last evaluated: 2023-05-30. Review status: criteria provided, single submitter. Criteria: Invitae Variant Classification Sherloc (09022015). Collection method: clinical testing. Allele origin: germline.
Comment: This variant has not been reported in the literature in individuals affected with JMJD1C-related conditions. This variant is present in population databases (rs774810703, gnomAD 0.006%). This sequence change replaces glutamic acid, which is acidic and polar, with aspartic acid, which is acidic and polar, at codon 1983 of the JMJD1C protein (p.Glu1983Asp). In summary, the available evidence is currently insufficient to determine the role of this variant in disease. Therefore, it has been classified as a Variant of Uncertain Significance. Advanced modeling of protein sequence and biophysical properties (such as structural, functional, and spatial information, amino acid conservation, physicochemical variation, residue mobility, and thermodynamic stability) performed at Invitae indicates that this missense variant is not expected to disrupt JMJD1C protein function.